The following is an entry in ClinVar:

NM_000023.4(SGCA):c.482_483insA (p.Leu164fs)

Gene: SGCA (sarcoglycan alpha; plus strand). Cytogenetic location: 17q21.33.
Variant type: Insertion.
Coding change: c.482_483insA on transcript NM_000023.4 (MANE Select); coding-DNA positions 482 to 483, A inserted.
Protein change: p.Leu164fs; shifts the reading frame from leucine 164.
Molecular consequence: frameshift variant. On other transcripts: non-coding transcript variant (1).
Genome position: GRCh38 VCF-style: chr17-50168470-T-TA. GRCh37 (hg19) VCF-style: chr17-48245831-T-TA.
Other names: c.482_483insA, p.Leu164fs (NM_001135697.3); short protein forms L164fs.
Identifiers: ClinVar variation 4857619 (VCV004857619.1).

ClinVar aggregate classification (germline): Likely pathogenic (1 of 4 stars; one submission).

Conditions:
Autosomal recessive limb-girdle muscular dystrophy type 2D (LGMDR3). Also called: ADHALINOPATHY, PRIMARY; DUCHENNE-LIKE AUTOSOMAL RECESSIVE MUSCULAR DYSTROPHY, TYPE 2; MUSCULAR DYSTROPHY, LIMB-GIRDLE, AUTOSOMAL RECESSIVE 3. Identifiers: Orphanet 62, MedGen C2936332, MONDO:0011968, OMIM 608099. Disease mechanism: Affects gamma-sarcoglycan and also disrupts the integrity of the entire sarcoglycan complex..

Submission:

Suma Genomics
Classification: Likely pathogenic for Autosomal recessive limb-girdle muscular dystrophy type 2D. Review status: criteria provided, single submitter. Criteria: ACMG Guidelines, 2015. Collection method: clinical testing. Allele origin: germline. Inheritance: Autosomal recessive inheritance. Affected: yes. Observed: 1 variant allele, 1 homozygote.
Comment: This variant is not observed in the gnomAD database. ACMG classification: Likely pathogenic Criteria met: PVS1: Null variant in a gene where loss of function is a known mechanism of disease PM2_Supporting: Extremely low frequency in gnomAD population databases